The following is an entry in ClinVar:

NM_001035.3(RYR2):c.11315C>T (p.Thr3772Ile)

Gene: RYR2 (ryanodine receptor 2; plus strand). Cytogenetic location: 1q43.
Variant type: single nucleotide variant.
Coding change: c.11315C>T on transcript NM_001035.3 (MANE Select); coding-DNA position 11315, C replaced by T.
Protein change: p.Thr3772Ile; replaces threonine 3772 with isoleucine.
Molecular consequence: missense variant.
Genome position (GRCh38, 1-based): chr1:237,757,766, C>T. VCF-style: chr1-237757766-C-T. GRCh37 (hg19) VCF-style: chr1-237921066-C-T.
Other names: c.11315C>T (NM_001035.2); short protein forms T3772I.
Identifiers: ClinVar variation 2043330 (VCV002043330.5), dbSNP rs2527416867, ClinGen allele CA345427750.

ClinVar aggregate classification (germline): Uncertain significance. Review status: criteria provided, multiple submitters, no conflicts (2 of 4 stars). 2 submissions from 2 submitters: Uncertain significance (2). Last evaluated 2025-08-11.

Conditions:
Catecholaminergic polymorphic ventricular tachycardia 1. Also called: VENTRICULAR TACHYCARDIA, CATECHOLAMINERGIC POLYMORPHIC, 1, WITH OR WITHOUT ATRIAL DYSFUNCTION AND/OR DILATED CARDIOMYOPATHY; RYR2-Related Catecholaminergic Polymorphic Ventricular Tachycardia; VENTRICULAR TACHYCARDIA, STRESS-INDUCED POLYMORPHIC 1. Identifiers: Orphanet 3286, MedGen C1631597, MONDO:0011484, OMIM 604772.

Submissions (2):

Labcorp Genetics (formerly Invitae), Labcorp
Classification: Uncertain significance for Catecholaminergic polymorphic ventricular tachycardia 1. Last evaluated: 2025-08-11. Review status: criteria provided, single submitter. Criteria: Invitae Variant Classification Sherloc (09022015). Collection method: clinical testing. Allele origin: germline.
Comment: This sequence change replaces threonine, which is neutral and polar, with isoleucine, which is neutral and non-polar, at codon 3772 of the RYR2 protein (p.Thr3772Ile). This variant is not present in population databases (gnomAD no frequency). This variant has not been reported in the literature in individuals affected with RYR2-related conditions. ClinVar contains an entry for this variant (Variation ID: 2043330). Invitae Evidence Modeling of protein sequence and biophysical properties (such as structural, functional, and spatial information, amino acid conservation, physicochemical variation, residue mobility, and thermodynamic stability) indicates that this missense variant is not expected to disrupt RYR2 protein function with a negative predictive value of 95%. In summary, the available evidence is currently insufficient to determine the role of this variant in disease. Therefore, it has been classified as a Variant of Uncertain Significance.

GeneDx
Classification: Uncertain significance. Last evaluated: 2024-12-23. Review status: criteria provided, single submitter. Criteria: GeneDx Variant Classification Process June 2021. Collection method: clinical testing. Allele origin: germline. Affected: yes.
Comment: Not observed at significant frequency in large population cohorts (gnomAD); In silico analysis supports that this missense variant has a deleterious effect on protein structure/function; Has not been previously published as pathogenic or benign to our knowledge; Not located in one of the three hot-spot regions of the RYR2 gene, where the majority of pathogenic missense variants occur; This variant is associated with the following publications: (PMID: 19926015)